The following is an entry in ClinVar:

NM_014846.4(WASHC5):c.18C>T (p.Ala6=)

Gene: WASHC5 (WASH complex subunit 5; minus strand). Cytogenetic location: 8q24.13.
Variant type: single nucleotide variant.
Coding change: c.18C>T on transcript NM_014846.4 (MANE Select); coding-DNA position 18, C replaced by T.
Protein change: p.Ala6=; no amino-acid change (alanine 6 retained).
Molecular consequence: synonymous variant. On other transcripts: intron variant (1).
Genome position (GRCh38, 1-based): chr8:125,083,881, G>A on the plus strand (C>T on the coding strand, the complement: WASHC5 is on the minus strand). VCF-style: chr8-125083881-G-A. GRCh37 (hg19) VCF-style: chr8-126096123-G-A.
Other names: c.-258-623C>T (NM_001330609.2).
Identifiers: ClinVar variation 387792 (VCV000387792.10), dbSNP rs17852424, ClinGen allele CA4874225.

ClinVar aggregate classification (germline): Likely benign. Review status: criteria provided, multiple submitters, no conflicts (2 of 4 stars). 3 submissions from 3 submitters: Likely benign (3). Last evaluated 2024-08-13.

Conditions:
Hereditary spastic paraplegia 8 (SPG8). Also called: SPASTIC PARAPLEGIA 8, AUTOSOMAL DOMINANT. Identifiers: Orphanet 100989, MedGen C1863704, MONDO:0011339, OMIM 603563.
Ritscher-Schinzel syndrome. Also called: CRANIOCEREBELLOCARDIAC DYSPLASIA. Identifiers: Orphanet 7, MedGen C0796137, MONDO:0019078.

Allele frequency attached by ClinVar (database versions not stated): gnomAD exomes 0.00005 and 0.00004; 1000 Genomes Project 0.00020; TOPMed 0.00003; ExAC 0.00004; gnomAD 0.00008 and 0.00006; 1000 Genomes Project 30x 0.00016.
gnomAD v4.1: 85 of 1,613,800 alleles (0.0053%); highest among the groups gnomAD compares: East Asian, 0.02%; no homozygotes.

Submissions (3):

Labcorp Genetics (formerly Invitae), Labcorp
Classification: Likely benign for Ritscher-Schinzel syndrome; Hereditary spastic paraplegia 8. Last evaluated: 2024-08-13. Review status: criteria provided, single submitter. Criteria: Invitae Variant Classification Sherloc (09022015). Collection method: clinical testing. Allele origin: germline.

Athena Diagnostics
Classification: Likely benign. Last evaluated: 2020-01-17. Review status: criteria provided, single submitter. Criteria: Athena Diagnostics Criteria. Collection method: clinical testing. Allele origin: unknown.

GeneDx
Classification: Likely benign. Last evaluated: 2016-07-15. Review status: criteria provided, single submitter. Criteria: GeneDx Variant Classification (06012015). Collection method: clinical testing. Allele origin: germline. Affected: yes.
Comment: This variant is considered likely benign or benign based on one or more of the following criteria: it is a conservative change, it occurs at a poorly conserved position in the protein, it is predicted to be benign by multiple in silico algorithms, and/or has population frequency not consistent with disease.